The following is an entry in ClinVar:

ClinVar aggregate classification (germline): Benign (0 of 4 stars; one submission).

Conditions:
ATXN8OS-related disorder. Also called: ATXN8OS-related condition.

Allele frequency attached by ClinVar (database versions not stated): gnomAD 0.03929.

Submission:

PreventionGenetics, part of Exact Sciences
Classification: Benign for ATXN8OS-related condition. Last evaluated: 2019-12-31. Review status: no assertion criteria provided. Collection method: clinical testing. Allele origin: germline.
Comment: This variant is classified as benign based on ACMG/AMP sequence variant interpretation guidelines (Richards et al. 2015 PMID: 25741868, with internal and published modifications).

NR_002717.3(ATXN8OS):n.900G>A

Genes: ATXN8OS (ATXN8 opposite strand lncRNA; plus strand), LOC109461478 (ATXN8 opposite strand (non-protein coding) repeat instability region; plus strand). Cytogenetic location: 13q21.33.
Variant type: single nucleotide variant.
Molecular consequence: non-coding transcript variant (on NR_002717.3).
Genome position: GRCh38 VCF-style: chr13-70139389-G-A. GRCh37 (hg19) VCF-style: chr13-70713521-G-A.
Identifiers: ClinVar variation 3037996 (VCV003037996.2), dbSNP rs5002471, ClinGen allele CA252266801.